The following is an entry in ClinVar:

NM_001353214.3(DYM):c.2025+1G>A

Gene: DYM (dymeclin; minus strand). Cytogenetic location: 18q21.1.
Variant type: single nucleotide variant.
Coding change: c.2025+1G>A on transcript NM_001353214.3 (MANE Select); the canonical splice donor site of the intron after coding-DNA position 2025, G replaced by A.
Molecular consequence: splice donor variant. On other transcripts: intron variant (3).
Genome position (GRCh38, 1-based): chr18:49,097,401, C>T on the plus strand (G>A on the coding strand, the complement: DYM is on the minus strand). VCF-style: chr18-49097401-C-T. GRCh37 (hg19) VCF-style: chr18-46623771-C-T.
Other names: c.1671+1G>A (NM_001374439.1); c.2019+1G>A (NM_001374429.1); c.1857+1G>A (NM_001353211.3, NM_001353210.3); c.2022+1G>A (NM_001353212.3, NM_001353213.3); c.1287+1G>A (NM_001374443.1); c.1107+1G>A (NM_001374444.1); c.1290+1G>A (NM_001374442.1); c.1455+1G>A (NM_001374441.1); and 11 more.
Identifiers: ClinVar variation 191091 (VCV000191091.3), dbSNP rs786205511, ClinGen allele CA235996.

ClinVar aggregate classification (germline): Pathogenic. Review status: criteria provided, single submitter (1 of 4 stars). 2 submissions from 1 submitter: Pathogenic (1). 1 of the submissions does not count toward it. Last evaluated 2024-03-17.

Conditions:
Dyggve-Melchior-Clausen syndrome (DMC). Also called: Dyggve-Melchior-Clausen disease; DMC syndrome. Identifiers: Orphanet 239, MedGen C0265286, MONDO:0009130, OMIM 223800.

Submissions (2):

Genomic Medicine Center of Excellence, King Faisal Specialist Hospital and Research Centre
Classification: Pathogenic for Dyggve-Melchior-Clausen syndrome. Last evaluated: 2024-03-17. Review status: criteria provided, single submitter. Criteria: ACMG Guidelines, 2015. Collection method: research. Allele origin: germline.

Genomic Medicine Center of Excellence, King Faisal Specialist Hospital and Research Centre
Classification: Likely pathogenic. Review status: flagged submission. Criteria: ACMG Guidelines, 2015. Collection method: research. Allele origin: germline. Affected: yes. Not counted in ClinVar's aggregate classification.
ClinVar note: Reason: This record appears to be redundant with a more recent record from the same submitter.
ClinVar note: Notes: SCV000221468 appears to be redundant with SCV004805016.